The following is an entry in ClinVar:

ClinVar aggregate classification (germline): Uncertain significance (1 of 4 stars; one submission).

gnomAD v4.1: 2 of 1,613,994 alleles (0.00012%); highest among the groups gnomAD compares: African/African-American, 0.0027%; no homozygotes.

Submission:

GeneDx
Classification: Uncertain significance. Last evaluated: 2024-12-13. Review status: criteria provided, single submitter. Criteria: GeneDx Variant Classification Process June 2021. Collection method: clinical testing. Allele origin: germline. Affected: yes.
Comment: Not observed at significant frequency in large population cohorts (gnomAD); In silico analysis supports that this missense variant has a deleterious effect on protein structure/function; Has not been previously published as pathogenic or benign to our knowledge

NM_182641.4(BPTF):c.3838G>C (p.Gly1280Arg)

Gene: BPTF (bromodomain PHD finger transcription factor; plus strand). Cytogenetic location: 17q24.2.
Variant type: single nucleotide variant.
Coding change: c.3838G>C on transcript NM_182641.4 (MANE Select); coding-DNA position 3838, G replaced by C.
Protein change: p.Gly1280Arg; replaces glycine 1280 with arginine.
Molecular consequence: missense variant.
Genome position (GRCh38, 1-based): chr17:67,911,722, G>C. VCF-style: chr17-67911722-G-C. GRCh37 (hg19) VCF-style: chr17-65907838-G-C.
Other names: c.4216G>C, p.Gly1406Arg (NM_004459.7); short protein forms G1280R, G1406R.
Identifiers: ClinVar variation 3903120 (VCV003903120.1).
Genomic context (GRCh38, chr17:67,911,722, plus strand): 5'-AGTACCAATGACAGAGATGCCACACCTCTGTCAAGAGCAATGGACTTTGAAGGAAAACTG[G>C]GATGTGACTCTGAATCTAATAGCACTTTGGAAAATAGTTCTGATACCGTGTCTATTCAGG-3'
Protein context (NP_872579.2, residues 1270-1290): SRAMDFEGKL[Gly1280Arg]CDSESNSTLE